The following is an entry in ClinVar:

ClinVar aggregate classification (germline): Benign. Review status: criteria provided, multiple submitters, no conflicts (2 of 4 stars). 3 submissions from 2 submitters: Benign (3). Last evaluated 2018-01-12.

Conditions:
Waardenburg syndrome. Also called: Waardenburg's syndrome. Identifiers: Orphanet 3440, MedGen C3266898, MONDO:0018094.
PCWH syndrome. Also called: WAARDENBURG-SHAH SYNDROME, NEUROLOGIC VARIANT. Identifiers: Orphanet 163746, MedGen C1836727, MONDO:0012198, OMIM 609136.

Allele frequency attached by ClinVar (database versions not stated): gnomAD exomes 0.62641; gnomAD 0.58862 and 0.59272; 1000 Genomes Project 30x 0.60244; 1000 Genomes Project 0.60843; TOPMed 0.58804.
gnomAD v4.1: 93,085 of 156,852 alleles (59%); highest among the groups gnomAD compares: East Asian, 75%; 27,906 homozygotes.

Submissions (3):

Illumina Laboratory Services, Illumina
Classification: Benign for Waardenburg syndrome. Last evaluated: 2018-01-12. Review status: criteria provided, single submitter. Criteria: ICSL Variant Classification Criteria 13 December 2019. Collection method: clinical testing. Allele origin: germline.
Comment: This variant was observed in the ICSL laboratory as part of a predisposition screen in an ostensibly healthy population. It had not been previously curated by ICSL or reported in the Human Gene Mutation Database (HGMD: prior to June 1st, 2018), and was therefore a candidate for classification through an automated scoring system. Utilizing variant allele frequency, disease prevalence and penetrance estimates, and inheritance mode, an automated score was calculated to assess if this variant is too frequent to cause the disease. Based on the score and internal cut-off values, a variant classified as benign is not then subjected to further curation. The score for this variant resulted in a classification of benign for this disease.

Illumina Laboratory Services, Illumina
Classification: Benign for PCWH syndrome. Last evaluated: 2018-01-12. Review status: criteria provided, single submitter. Criteria: ICSL Variant Classification Criteria 13 December 2019. Collection method: clinical testing. Allele origin: germline.
Comment: the same text as in the submission from Illumina Laboratory Services, Illumina above.

Breakthrough Genomics
Classification: Benign. Review status: criteria provided, single submitter. Criteria: ACMG Guidelines, 2015. Collection method: not provided. Allele origin: germline. Inheritance: Autosomal dominant inheritance. Affected: yes.

NM_006941.4(SOX10):c.*475G>A

Genes: POLR2F (RNA polymerase II, I and III subunit F; plus strand), SOX10 (SRY-box transcription factor 10; minus strand). Cytogenetic location: 22q13.1.
Variant type: single nucleotide variant.
Coding change: c.*475G>A on transcript NM_006941.4 (MANE Select); 475 bases downstream of the stop codon, G replaced by A.
Molecular consequence: 3 prime UTR variant. On other transcripts: intron variant (3).
Genome position (GRCh38, 1-based): chr22:37,973,020, C>T on the plus strand (G>A on the coding strand, the complement: SOX10 is on the minus strand). VCF-style: chr22-37973020-C-T. GRCh37 (hg19) VCF-style: chr22-38369027-C-T.
Other names: c.*38+710C>T (NM_001363825.1); c.293+5850C>T (NM_001301130.2, NM_001301131.2).
Identifiers: ClinVar variation 341614 (VCV000341614.8), dbSNP rs139883, ClinGen allele CA10654120.